The following is an entry in ClinVar:

ClinVar aggregate classification (germline): Likely pathogenic (1 of 4 stars; one submission).

Submission:

GeneDx
Classification: Likely pathogenic. Last evaluated: 2025-05-15. Review status: criteria provided, single submitter. Criteria: GeneDx Variant Classification Process June 2021. Collection method: clinical testing. Allele origin: germline. Affected: yes.
Comment: Alters the last nucleotide of the exon and is predicted to destroy the splice donor site and result in aberrant splicing, although in the absence of functional evidence the actual effect of this sequence change is unknown; Not observed at significant frequency in large population cohorts (gnomAD); Has not been previously published as pathogenic or benign to our knowledge

NM_000047.3(ARSL):c.854G>A (p.Arg285Lys)

Gene: ARSL (arylsulfatase L; minus strand). Cytogenetic location: Xp22.33.
Variant type: single nucleotide variant.
Coding change: c.854G>A on transcript NM_000047.3 (MANE Select); coding-DNA position 854, G replaced by A.
Protein change: p.Arg285Lys; replaces arginine 285 with lysine.
Molecular consequence: missense variant.
Genome position (GRCh38, 1-based): chrX:2,949,304, C>T on the plus strand (G>A on the coding strand, the complement: ARSL is on the minus strand). VCF-style: chrX-2949304-C-T. GRCh37 (hg19) VCF-style: chrX-2867345-C-T.
Other names: c.929G>A, p.Arg310Lys (NM_001282628.2, NM_001369080.1); c.692G>A, p.Arg231Lys (NM_001282631.2); c.881G>A, p.Arg294Lys (NM_001369079.1); short protein forms R231K, R285K, R294K, R310K.
Identifiers: ClinVar variation 1200861 (VCV001200861.6), dbSNP rs2147378714, ClinGen allele CA412280191.